The following is an entry in ClinVar:

ClinVar aggregate classification (germline): Pathogenic/Likely pathogenic. Review status: criteria provided, multiple submitters, no conflicts (2 of 4 stars). 2 submissions from 2 submitters: Pathogenic (1); Likely pathogenic (1). Last evaluated 2025-08-22.

Conditions:
Hypotonia with lactic acidemia and hyperammonemia. Identifiers: Orphanet 137908, MedGen C2673642, MONDO:0012718, OMIM 611719.

Submissions (2):

Dasa
Classification: Likely pathogenic. Last evaluated: 2025-08-22. Review status: criteria provided, single submitter. Criteria: DASA Assertion Criteria. Collection method: clinical testing. Allele origin: germline.
Comment: NM_020191.4(MRPS22):c.874_875del (p.Asp292Phefs*4) is a frameshift variant in MRPS22 predicted to alter the reading frame and introduce a premature termination codon and is predicted to result in an absent or altered protein product. Loss of function is an established disease mechanism for MRPS22-associated disorders. Also, this variant is rare in population databases. Based on the currently available evidence, this variant is classified as likely pathogenic.

Baylor Genetics
Classification: Pathogenic for Hypotonia with lactic acidemia and hyperammonemia. Last evaluated: 2018-10-01. Review status: criteria provided, single submitter. Criteria: ACMG Guidelines, 2015. Collection method: clinical testing. Allele origin: maternal. Affected: yes.
Comment: This variant was determined to be pathogenic according to ACMG Guidelines, 2015 [PMID:25741868].

NM_020191.4(MRPS22):c.874_875del (p.Asp292fs)

Gene: MRPS22 (mitochondrial ribosomal protein S22; plus strand). Cytogenetic location: 3q23.
Variant type: Microsatellite.
Coding change: c.874_875del on transcript NM_020191.4 (MANE Select); coding-DNA positions 874 to 875, 2 bases deleted (GA; older notation c.874_875delGA).
Protein change: p.Asp292fs; shifts the reading frame from aspartic acid 292.
Molecular consequence: frameshift variant.
Genome position (GRCh38, 1-based): chr3:139,352,788-139,352,789, GA deleted; deleting any 2 consecutive bases within chr3:139,352,783-139,352,789 gives the same sequence; the c. name uses the placement nearest the transcript's 3' end. VCF-style (leftmost placement, unchanged base first): chr3-139352782-CAG-C. GRCh37 (hg19) VCF-style: chr3-139071624-CAG-C.
Other names: c.751_752del, p.Asp251fs (NM_001363857.1); c.871_872del, p.Asp291fs (NM_001363893.1); short protein forms D291fs, D251fs, D292fs.
Identifiers: ClinVar variation 1033933 (VCV001033933.3), dbSNP rs775852045, ClinGen allele CA2640826.
Genomic context (GRCh38, chr3:139,352,782, plus strand): 5'-GGAATGGTGTGGTATTTTGTAAATAATAAAAAGATTGATGGTTTGCTGATTGACCAGATT[CAG>C]AGAGATTTGTAAGTATGATCTTAGTAAGTGAAAGAATCATTCTTATTGCTCTAACAGTTC-3'